The following is an entry in ClinVar:

NM_000264.5(PTCH1):c.2216A>C (p.His739Pro)

Genes: PTCH1 (patched 1; minus strand), LOC100507346 (uncharacterized LOC100507346; plus strand). Cytogenetic location: 9q22.32.
Variant type: single nucleotide variant.
Coding change: c.2216A>C on transcript NM_000264.5 (MANE Select); coding-DNA position 2216, A replaced by C.
Protein change: p.His739Pro; replaces histidine 739 with proline.
Molecular consequence: missense variant. On other transcripts: non-coding transcript variant (2).
Genome position (GRCh38, 1-based): chr9:95,468,785, T>G on the plus strand (A>C on the coding strand, the complement: PTCH1 is on the minus strand). VCF-style: chr9-95468785-T-G. GRCh37 (hg19) VCF-style: chr9-98231067-T-G.
Other names: c.2018A>C, p.His673Pro (NM_001083602.3); c.2213A>C, p.His738Pro (NM_001083603.3); c.1763A>C, p.His588Pro (NM_001083604.3, NM_001083605.3, NM_001083606.3 and 1 more transcripts); c.2060A>C, p.His687Pro (NM_001354918.2); short protein forms H687P, H738P, H673P, H588P, H739P.
Identifiers: ClinVar variation 3635848 (VCV003635848.2).

ClinVar aggregate classification (germline): Uncertain significance (1 of 4 stars; one submission).

Conditions:
Gorlin syndrome. Also called: Nevoid Basal Cell Carcinoma Syndrome; Basal cell nevus syndrome. Identifiers: Orphanet 377, MedGen C0004779, MONDO:0007187.

Submission:

Labcorp Genetics (formerly Invitae), Labcorp
Classification: Uncertain significance for Gorlin syndrome. Last evaluated: 2024-04-11. Review status: criteria provided, single submitter. Criteria: Invitae Variant Classification Sherloc (09022015). Collection method: clinical testing. Allele origin: germline.
Comment: This sequence change replaces histidine, which is basic and polar, with proline, which is neutral and non-polar, at codon 739 of the PTCH1 protein (p.His739Pro). This variant is not present in population databases (gnomAD no frequency). This variant has not been reported in the literature in individuals affected with PTCH1-related conditions. Advanced modeling of protein sequence and biophysical properties (such as structural, functional, and spatial information, amino acid conservation, physicochemical variation, residue mobility, and thermodynamic stability) performed at Invitae indicates that this missense variant is not expected to disrupt PTCH1 protein function with a negative predictive value of 95%. In summary, the available evidence is currently insufficient to determine the role of this variant in disease. Therefore, it has been classified as a Variant of Uncertain Significance.